The following is an entry in ClinVar:

ClinVar aggregate classification (germline): Uncertain significance (1 of 4 stars; one submission).

Conditions:
BAP1-related tumor predisposition syndrome (TPDS1). Also called: Tumor susceptibility linked to germline BAP1 mutations; TUMOR PREDISPOSITION SYNDROME 1; BAP1 tumor predisposition syndrome; COMMON Syndrome. Identifiers: Orphanet 289539, MedGen C3280492, MONDO:0013692, OMIM 614327.

Submission:

Labcorp Genetics (formerly Invitae), Labcorp
Classification: Uncertain significance for BAP1-related tumor predisposition syndrome. Last evaluated: 2023-01-17. Review status: criteria provided, single submitter. Criteria: Invitae Variant Classification Sherloc (09022015). Collection method: clinical testing. Allele origin: germline.
Comment: In summary, the available evidence is currently insufficient to determine the role of this variant in disease. Therefore, it has been classified as a Variant of Uncertain Significance. Algorithms developed to predict the effect of sequence changes on RNA splicing suggest that this variant may create or strengthen a splice site. Advanced modeling of protein sequence and biophysical properties (such as structural, functional, and spatial information, amino acid conservation, physicochemical variation, residue mobility, and thermodynamic stability) performed at Invitae indicates that this missense variant is not expected to disrupt BAP1 protein function. ClinVar contains an entry for this variant (Variation ID: 969994). This variant has not been reported in the literature in individuals affected with BAP1-related conditions. This variant is not present in population databases (gnomAD no frequency). This sequence change replaces aspartic acid, which is acidic and polar, with glycine, which is neutral and non-polar, at codon 397 of the BAP1 protein (p.Asp397Gly).

NM_004656.4(BAP1):c.1190A>G (p.Asp397Gly)

Gene: BAP1 (BRCA1 associated deubiquitinase 1; minus strand). Cytogenetic location: 3p21.1.
Variant type: single nucleotide variant.
Coding change: c.1190A>G on transcript NM_004656.4 (MANE Select); coding-DNA position 1190, A replaced by G.
Protein change: p.Asp397Gly; replaces aspartic acid 397 with glycine.
Molecular consequence: missense variant.
Genome position (GRCh38, 1-based): chr3:52,404,513, T>C on the plus strand (A>G on the coding strand, the complement: BAP1 is on the minus strand). VCF-style: chr3-52404513-T-C. GRCh37 (hg19) VCF-style: chr3-52438529-T-C.
Other names: short protein forms D397G.
Identifiers: ClinVar variation 969994 (VCV000969994.7), dbSNP rs1705084528, ClinGen allele CA353103088.